The following is an entry in ClinVar:

NM_001371623.1(TCOF1):c.161A>C (p.Gln54Pro)

Gene: TCOF1 (treacle ribosome biogenesis factor 1; plus strand). Cytogenetic location: 5q32.
Variant type: single nucleotide variant.
Coding change: c.161A>C on transcript NM_001371623.1 (MANE Select); coding-DNA position 161, A replaced by C.
Protein change: p.Gln54Pro; replaces glutamine 54 with proline.
Molecular consequence: missense variant.
Genome position (GRCh38, 1-based): chr5:150,361,208, A>C. VCF-style: chr5-150361208-A-C. GRCh37 (hg19) VCF-style: chr5-149740771-A-C.
Other names: c.161A>C, p.Gln54Pro (NM_000356.4, NM_001008657.3, NM_001135243.2 and 3 more transcripts); short protein forms Q54P.
Identifiers: ClinVar variation 1496843 (VCV001496843.8), dbSNP rs2150399443, ClinGen allele CA361728708.

ClinVar aggregate classification (germline): Uncertain significance (1 of 4 stars; one submission).

Conditions:
Treacher Collins syndrome 1 (TCS1). Also called: TCOF1-Related Treacher Collins Syndrome. Identifiers: Orphanet 861, MedGen CN315775, MONDO:0007944, OMIM 154500.

Submission:

Labcorp Genetics (formerly Invitae), Labcorp
Classification: Uncertain significance for Treacher Collins syndrome 1. Last evaluated: 2022-10-11. Review status: criteria provided, single submitter. Criteria: Invitae Variant Classification Sherloc (09022015). Collection method: clinical testing. Allele origin: germline.
Comment: ClinVar contains an entry for this variant (Variation ID: 1496843). In summary, the available evidence is currently insufficient to determine the role of this variant in disease. Therefore, it has been classified as a Variant of Uncertain Significance. Advanced modeling of protein sequence and biophysical properties (such as structural, functional, and spatial information, amino acid conservation, physicochemical variation, residue mobility, and thermodynamic stability) performed at Invitae indicates that this missense variant is not expected to disrupt TCOF1 protein function. This missense change has been observed in individual(s) with Treacher Collins syndrome (Invitae). It has also been observed to segregate with disease in related individuals. This variant is not present in population databases (gnomAD no frequency). This sequence change replaces glutamine, which is neutral and polar, with proline, which is neutral and non-polar, at codon 54 of the TCOF1 protein (p.Gln54Pro).